The following is an entry in ClinVar:

NM_005989.4(AKR1D1):c.356T>C (p.Ile119Thr)

Gene: AKR1D1 (aldo-keto reductase family 1 member D1; plus strand). Cytogenetic location: 7q33.
Variant type: single nucleotide variant.
Coding change: c.356T>C on transcript NM_005989.4 (MANE Select); coding-DNA position 356, T replaced by C.
Protein change: p.Ile119Thr; replaces isoleucine 119 with threonine.
Molecular consequence: missense variant.
Genome position (GRCh38, 1-based): chr7:138,091,862, T>C. VCF-style: chr7-138091862-T-C. GRCh37 (hg19) VCF-style: chr7-137776608-T-C.
Other names: p.Ile119Thr; c.356T>C, p.Ile119Thr (NM_001190906.2, NM_001190907.2); c.356T>C (NM_005989.3); short protein forms I119T.
Identifiers: ClinVar variation 502743 (VCV000502743.12), dbSNP rs201702426, ClinGen allele CA4502660.

ClinVar aggregate classification (germline): Uncertain significance. Review status: criteria provided, multiple submitters, no conflicts (2 of 4 stars). 5 submissions from 5 submitters: Uncertain significance (5). Last evaluated 2026-03-09.

Conditions:
AKR1D1-related disorder. Also called: AKR1D1-related condition.

Allele frequency attached by ClinVar (database versions not stated): gnomAD exomes 0.00013 and 0.00017; ExAC 0.00014; 1000 Genomes Project 0.00020; gnomAD 0.00023 and 0.00033; 1000 Genomes Project 30x 0.00031; TOPMed 0.00054.

Submissions (5):

PreventionGenetics, part of Exact Sciences
Classification: Uncertain significance for AKR1D1-related condition. Last evaluated: 2026-03-09. Review status: criteria provided, single submitter. Criteria: ACMG Guidelines, 2015. Collection method: clinical testing. Allele origin: germline.
Comment: The AKR1D1 c.356T>C variant is predicted to result in the amino acid substitution p.Ile119Thr. To our knowledge, this variant has not been reported in the literature. This variant is reported in 0.090% of alleles in individuals of Latino descent in gnomAD, which may be too frequent to be a primary cause of disease. At this time, the clinical significance of this variant is uncertain due to the absence of conclusive functional and genetic evidence.

Blueprint Genetics
Classification: Uncertain significance. Last evaluated: 2024-06-11. Review status: criteria provided, single submitter. Criteria: ACMG Guidelines, 2015. Collection method: clinical testing. Allele origin: germline.

Mayo Clinic Laboratories, Mayo Clinic
Classification: Uncertain significance. Last evaluated: 2021-07-27. Review status: criteria provided, single submitter. Criteria: ACMG Guidelines, 2015. Collection method: clinical testing. Allele origin: germline.

Eurofins Ntd Llc (ga)
Classification: Uncertain significance. Last evaluated: 2017-06-26. Review status: criteria provided, single submitter. Criteria: EGL Classification Definitions 2015. Collection method: clinical testing. Allele origin: germline. Observed: 1 variant allele, 1 heterozygote.

Breakthrough Genomics
Classification: Uncertain significance. Review status: criteria provided, single submitter. Criteria: ACMG Guidelines, 2015. Collection method: not provided. Allele origin: germline. Inheritance: Autosomal recessive inheritance. Affected: yes.